The following is an entry in ClinVar:

ClinVar aggregate classification (germline): Uncertain significance (1 of 4 stars; one submission).

Conditions:
VPS13B-related disorder. Also called: VPS13B-related condition.

gnomAD v4.1: 1 of 1,604,652 alleles (0.000062%); highest among the groups gnomAD compares: Non-Finnish European, 0.000085%; no homozygotes.

Submission:

PreventionGenetics, part of Exact Sciences
Classification: Uncertain significance for VPS13B-related condition. Last evaluated: 2025-05-06. Review status: criteria provided, single submitter. Criteria: ACMG Guidelines, 2015. Collection method: clinical testing. Allele origin: germline.
Comment: The VPS13B c.1876C>T variant is predicted to result in the amino acid substitution p.Pro626Ser. To our knowledge, this variant has not been reported in the literature or in a large population database (gnomAD), indicating this variant is rare. At this time, the clinical significance of this variant is uncertain due to the absence of conclusive functional and genetic evidence.

NM_152564.5(VPS13B):c.1876C>T (p.Pro626Ser)

Gene: VPS13B (vacuolar protein sorting 13 homolog B; plus strand). Cytogenetic location: 8q22.2.
Variant type: single nucleotide variant.
Coding change: c.1876C>T on transcript NM_152564.5 (MANE Select); coding-DNA position 1876, C replaced by T.
Protein change: p.Pro626Ser; replaces proline 626 with serine.
Molecular consequence: missense variant.
Genome position (GRCh38, 1-based): chr8:99,147,873, C>T. VCF-style: chr8-99147873-C-T. GRCh37 (hg19) VCF-style: chr8-100160101-C-T.
Other names: c.1876C>T, p.Pro626Ser (NM_015243.3, NM_017890.5); short protein forms P626S.
Identifiers: ClinVar variation 4989406 (VCV004989406.1).